The following is an entry in ClinVar:

ClinVar aggregate classification (germline): Uncertain significance (1 of 4 stars; one submission).

Submission:

Labcorp Genetics (formerly Invitae), Labcorp
Classification: Uncertain significance. Last evaluated: 2021-07-26. Review status: criteria provided, single submitter. Criteria: Invitae Variant Classification Sherloc (09022015). Collection method: clinical testing. Allele origin: germline.
Comment: In summary, the available evidence is currently insufficient to determine the role of this variant in disease. Therefore, it has been classified as a Variant of Uncertain Significance. Algorithms developed to predict the effect of missense changes on protein structure and function are either unavailable or do not agree on the potential impact of this missense change (SIFT: "Tolerated"; PolyPhen-2: "Possibly Damaging"; Align-GVGD: "Class C0"). This variant has not been reported in the literature in individuals with HSPG2-related conditions. This variant is not present in population databases (ExAC no frequency). This sequence change replaces valine with leucine at codon 899 of the HSPG2 protein (p.Val899Leu). The valine residue is weakly conserved and there is a small physicochemical difference between valine and leucine.

NM_005529.7(HSPG2):c.2695G>T (p.Val899Leu)

Gene: HSPG2 (heparan sulfate proteoglycan 2; minus strand). Cytogenetic location: 1p36.12.
Variant type: single nucleotide variant.
Coding change: c.2695G>T on transcript NM_005529.7 (MANE Select); coding-DNA position 2695, G replaced by T.
Protein change: p.Val899Leu; replaces valine 899 with leucine.
Molecular consequence: missense variant.
Genome position (GRCh38, 1-based): chr1:21,876,643, C>A on the plus strand (G>T on the coding strand, the complement: HSPG2 is on the minus strand). VCF-style: chr1-21876643-C-A. GRCh37 (hg19) VCF-style: chr1-22203136-C-A.
Other names: c.2698G>T, p.Val900Leu (NM_001291860.2); short protein forms V899L, V900L.
Identifiers: ClinVar variation 1442937 (VCV001442937.8), dbSNP rs961371821, ClinGen allele CA338963484.